The following is an entry in ClinVar:

NM_014714.4(IFT140):c.3016G>C (p.Glu1006Gln)

Genes: IFT140 (intraflagellar transport 140; minus strand), LOC126862260 (CDK7 strongly-dependent group 2 enhancer GRCh37_chr16:1574508-1575707; plus strand). Cytogenetic location: 16p13.3.
Variant type: single nucleotide variant.
Coding change: c.3016G>C on transcript NM_014714.4 (MANE Select); coding-DNA position 3016, G replaced by C.
Protein change: p.Glu1006Gln; replaces glutamic acid 1006 with glutamine.
Molecular consequence: missense variant.
Genome position (GRCh38, 1-based): chr16:1,524,677, C>G on the plus strand (G>C on the coding strand, the complement: IFT140 is on the minus strand). VCF-style: chr16-1524677-C-G. GRCh37 (hg19) VCF-style: chr16-1574678-C-G.
Other names: short protein forms E1006Q.
Identifiers: ClinVar variation 1433367 (VCV001433367.9), dbSNP rs375292299, ClinGen allele CA7813359.
Genomic context (GRCh38, chr16:1,524,677, plus strand): 5'-CCTCCTCCTGGCTCTCGTACTGGCGGGCGAGGTGGTAGGAGGCCGCCAGGTTTCCTGTCT[C>G]GTTGGCTATTTGCGCAGCCTAGAAAGACAAAGAACCCAAAGACGAGACACGGTGGCCTTG-3'
Protein context (NP_055529.2, residues 996-1016): NVQKAAQIAN[Glu1006Gln]TGNLAASYHL

ClinVar aggregate classification (germline): Uncertain significance. Review status: criteria provided, multiple submitters, no conflicts (2 of 4 stars). 2 submissions from 2 submitters: Uncertain significance (2). Last evaluated 2026-01-12.

Conditions:
Saldino-Mainzer syndrome (SRTD9). Also called: Renal dysplasia, retinal pigmentary dystrophy, cerebellar ataxia and skeletal dysplasia; short-rib thoracic dysplasia 9 with or without polydactyly; CONORENAL SYNDROME; SHORT-RIB THORACIC DYSPLASIA 9 WITHOUT POLYDACTYLY. Identifiers: Orphanet 140969, MedGen C1849437, MONDO:0009964, OMIM 266920.

Submissions (2):

Labcorp Genetics (formerly Invitae), Labcorp
Classification: Uncertain significance for Saldino-Mainzer syndrome. Last evaluated: 2026-01-12. Review status: criteria provided, single submitter. Criteria: Invitae Variant Classification Sherloc (09022015). Collection method: clinical testing. Allele origin: germline.
Comment: This sequence change replaces glutamic acid, which is acidic and polar, with glutamine, which is neutral and polar, at codon 1006 of the IFT140 protein (p.Glu1006Gln). This variant is present in population databases (rs375292299, gnomAD 0.01%). This variant has not been reported in the literature in individuals affected with IFT140-related conditions. ClinVar contains an entry for this variant (Variation ID: 1433367). Invitae Evidence Modeling of protein sequence and biophysical properties (such as structural, functional, and spatial information, amino acid conservation, physicochemical variation, residue mobility, and thermodynamic stability) indicates that this missense variant is not expected to disrupt IFT140 protein function with a negative predictive value of 80%. In summary, the available evidence is currently insufficient to determine the role of this variant in disease. Therefore, it has been classified as a Variant of Uncertain Significance.

Blueprint Genetics
Classification: Uncertain significance. Last evaluated: 2024-11-07. Review status: criteria provided, single submitter. Criteria: ACMG Guidelines, 2015. Collection method: clinical testing. Allele origin: germline.